The following is an entry in ClinVar:

NM_012233.3(RAB3GAP1):c.852A>G (p.Thr284=)

Gene: RAB3GAP1 (RAB3 GTPase activating protein catalytic subunit 1; plus strand). Cytogenetic location: 2q21.3.
Variant type: single nucleotide variant.
Coding change: c.852A>G on transcript NM_012233.3 (MANE Select); coding-DNA position 852, A replaced by G.
Protein change: p.Thr284=; no amino-acid change (threonine 284 retained).
Molecular consequence: synonymous variant.
Genome position (GRCh38, 1-based): chr2:135,126,202, A>G. VCF-style: chr2-135126202-A-G. GRCh37 (hg19) VCF-style: chr2-135883772-A-G.
Other names: c.852A>G, p.Thr284= (NM_001172435.2).
Identifiers: ClinVar variation 4682399 (VCV004682399.1).

ClinVar aggregate classification (germline): Likely benign (1 of 4 stars; one submission).

gnomAD v4.1: 17 of 1,612,924 alleles (0.0011%); highest among the groups gnomAD compares: Admixed American, 0.012%; no homozygotes.

Submission:

Athena Diagnostics
Classification: Likely benign. Last evaluated: 2025-04-16. Review status: criteria provided, single submitter. Criteria: Athena Diagnostics Criteria. Collection method: clinical testing. Allele origin: unknown.
Comment: Computational tools yielded predictions that this variant is unlikely to have an effect on normal RNA splicing. This nucleotide position exhibits low evolutionary conservation.